The following is an entry in ClinVar:

ClinVar aggregate classification (germline): Uncertain significance (1 of 4 stars; one submission).

Allele frequency attached by ClinVar (database versions not stated): gnomAD 0.00001; TOPMed 0.00001; ExAC 0.00003.
gnomAD v4.1: 27 of 1,608,072 alleles (0.0017%); highest among the groups gnomAD compares: East Asian, 0.0023%; no homozygotes.

Submission:

Labcorp Genetics (formerly Invitae), Labcorp
Classification: Uncertain significance. Last evaluated: 2022-11-10. Review status: criteria provided, single submitter. Criteria: Invitae Variant Classification Sherloc (09022015). Collection method: clinical testing. Allele origin: germline.
Comment: This sequence change replaces arginine, which is basic and polar, with tryptophan, which is neutral and slightly polar, at codon 2028 of the CACNA1B protein (p.Arg2028Trp). In summary, the available evidence is currently insufficient to determine the role of this variant in disease. Therefore, it has been classified as a Variant of Uncertain Significance. Advanced modeling of protein sequence and biophysical properties (such as structural, functional, and spatial information, amino acid conservation, physicochemical variation, residue mobility, and thermodynamic stability) performed at Invitae indicates that this missense variant is not expected to disrupt CACNA1B protein function. This variant has not been reported in the literature in individuals affected with CACNA1B-related conditions. The frequency data for this variant in the population databases is considered unreliable, as metrics indicate poor data quality at this position in the gnomAD database.

NM_000718.4(CACNA1B):c.6082C>T (p.Arg2028Trp)

Gene: CACNA1B (calcium voltage-gated channel subunit alpha1 B; plus strand). Cytogenetic location: 9q34.3.
Variant type: single nucleotide variant.
Coding change: c.6082C>T on transcript NM_000718.4 (MANE Select); coding-DNA position 6082, C replaced by T.
Protein change: p.Arg2028Trp; replaces arginine 2028 with tryptophan.
Molecular consequence: missense variant.
Genome position (GRCh38, 1-based): chr9:138,120,216, C>T. VCF-style: chr9-138120216-C-T. GRCh37 (hg19) VCF-style: chr9-141014668-C-T.
Other names: c.6082C>T, p.Arg2028Trp (NM_001243812.2); short protein forms R2028W.
Identifiers: ClinVar variation 1978794 (VCV001978794.3), dbSNP rs777530915, ClinGen allele CA5377601.